The following is an entry in ClinVar:

NM_000512.5(GALNS):c.200T>C (p.Leu67Pro)

Gene: GALNS (galactosamine (N-acetyl)-6-sulfatase; minus strand). Cytogenetic location: 16q24.3.
Variant type: single nucleotide variant.
Coding change: c.200T>C on transcript NM_000512.5 (MANE Select); coding-DNA position 200, T replaced by C.
Protein change: p.Leu67Pro; replaces leucine 67 with proline.
Molecular consequence: missense variant. On other transcripts: intron variant (1).
Genome position (GRCh38, 1-based): chr16:88,842,750, A>G on the plus strand (T>C on the coding strand, the complement: GALNS is on the minus strand). VCF-style: chr16-88842750-A-G. GRCh37 (hg19) VCF-style: chr16-88909158-A-G.
Other names: p.Leu67Pro; c.218T>C, p.Leu73Pro (NM_001323544.2); c.-311-779T>C (NM_001323543.2); short protein forms L67P, L73P.
Identifiers: ClinVar variation 4849903 (VCV004849903.1).
Genomic context (GRCh38, chr16:88,842,750, plus strand): 5'-GGCCCCGCTGACTTACATGGCGAGCACAGAGGGTTGGCAGAATAGAAGTTTGGGAAAAGC[A>G]GCCCTTCTGCAGCCATCCGGTCCAAATTCGGGGTCTCTCTGGAGGGCTCTCCATACACCC-3'
Protein context (NP_000503.1, residues 57-77): PNLDRMAAEG[Leu67Pro]LFPNFYSANP

ClinVar aggregate classification (germline): Uncertain significance (1 of 4 stars; one submission).

Conditions:
Mucopolysaccharidosis, MPS-IV-A (MPS4A). Also called: Mucopolysaccharidosis type IV A; Mucopolysaccharidosis Type IVA; Morquio syndrome A, mild; MORQUIO SYNDROME A; GALACTOSAMINE-6-SULFATASE DEFICIENCY; GALNS DEFICIENCY. Identifiers: Orphanet 309297, Orphanet 582, MedGen C0086651, MONDO:0009659, OMIM 253000.

Submission:

Foundation for Research in Genetics and Endocrinology, FRIGE's Institute of Human Genetics
Classification: Uncertain significance for Mucopolysaccharidosis, MPS-IV-A. Last evaluated: 2026-04-02. Review status: criteria provided, single submitter. Criteria: ACMG Guidelines, 2015. Collection method: clinical testing. Allele origin: germline. Inheritance: Autosomal recessive inheritance. Affected: yes. Observed: 1 variant allele, 1 homozygote.
Comment: A homozygous variant in exon 2 of the GALNS gene that results in the amino acid substitution of Proline for Leucine at codon 67 was detected. This variant has not been reported in the 1000 genomes and gnomAD databases. The in-silico prediction of the variant is deleterious by MutationTaster and FATHMM. In summary, the variant meets our criteria to be classified as variant of uncertain significance.